The following is an entry in ClinVar:

NM_001080414.4(CCDC88C):c.3388G>A (p.Ala1130Thr)

Gene: CCDC88C (coiled-coil domain containing 88C; minus strand). Cytogenetic location: 14q32.11.
Variant type: single nucleotide variant.
Coding change: c.3388G>A on transcript NM_001080414.4 (MANE Select); coding-DNA position 3388, G replaced by A.
Protein change: p.Ala1130Thr; replaces alanine 1130 with threonine.
Molecular consequence: missense variant.
Genome position (GRCh38, 1-based): chr14:91,303,948, C>T on the plus strand (G>A on the coding strand, the complement: CCDC88C is on the minus strand). VCF-style: chr14-91303948-C-T. GRCh37 (hg19) VCF-style: chr14-91770292-C-T.
Other names: short protein forms A1130T.
Identifiers: ClinVar variation 420288 (VCV000420288.2), dbSNP rs1064794398, ClinGen allele CA16619893.

ClinVar aggregate classification (germline): Uncertain significance (1 of 4 stars; one submission).

Allele frequency attached by ClinVar (database versions not stated): gnomAD exomes below 0.00001.
gnomAD v4.1: 4 of 1,607,560 alleles (0.00025%); highest among the groups gnomAD compares: South Asian, 0.0044%; no homozygotes.

Submission:

GeneDx
Classification: Uncertain significance. Last evaluated: 2018-04-24. Review status: criteria provided, single submitter. Criteria: GeneDx Variant Classification (06012015). Collection method: clinical testing. Allele origin: germline. Affected: yes.
Comment: The A1130T variant in the CCDC88C gene has not been reported previously as a pathogenic variant, nor as a benign variant, to our knowledge. The A1130T variant was not observed in approximately 6350 individuals of European and African American ancestry in the NHLBI Exome Sequencing Project, indicating it is not a common benign variant in these populations. The A1130T variant is a non-conservative amino acid substitution, which is likely to impact secondary protein structure as these residues differ in polarity, charge, size and/or other properties. This substitution occurs at a position that is not conserved. In silico analysis is inconsistent in its predictions as to whether or not the variant is damaging to the protein structure/function. We interpret A1130T as a variant of uncertain significance.